The following is an entry in ClinVar:

NM_001378615.1(CC2D2A):c.2486+1G>C

Genes: CC2D2A (coiled-coil and C2 domain containing 2A; plus strand), FBXL5 (F-box and leucine rich repeat protein 5; minus strand). Cytogenetic location: 4p15.32.
Variant type: single nucleotide variant.
Coding change: c.2486+1G>C on transcript NM_001378615.1 (MANE Select); the canonical splice donor site of the intron after coding-DNA position 2486, G replaced by C.
Molecular consequence: splice donor variant.
Genome position (GRCh38, 1-based): chr4:15,553,306, G>C. VCF-style: chr4-15553306-G-C. GRCh37 (hg19) VCF-style: chr4-15554929-G-C.
Other names: c.2486+1G>C (NM_001080522.2); c.2339+1G>C (NM_001378617.1).
Identifiers: ClinVar variation 56299 (VCV000056299.11), dbSNP rs386833747, ClinGen allele CA144216.

ClinVar aggregate classification (germline): Pathogenic/Likely pathogenic. Review status: criteria provided, multiple submitters, no conflicts (2 of 4 stars). 5 submissions from 5 submitters: Pathogenic (2); Likely pathogenic (2). 1 of the submissions does not count toward it. Last evaluated 2025-05-17.

Conditions:
CC2D2A-related disorder. Also called: CC2D2A-related disorders; CC2D2A-related condition. Identifiers: MedGen CN239313.
Meckel-Gruber syndrome. Also called: Dysencephalia splachnocystica; DYSENCEPHALIA SPLANCHNOCYSTICA; GRUBER SYNDROME. Identifiers: Orphanet 564, MedGen C0265215, MONDO:0018921.
Joubert syndrome. Also called: Familial aplasia of the vermis; JOUBERT-BOLTSHAUSER SYNDROME. Identifiers: Orphanet 475, MedGen C5979921, MONDO:0018772.
Meckel syndrome, type 6. Identifiers: Orphanet 564, MedGen C2676790, MONDO:0012848, OMIM 612284.

Allele frequency attached by ClinVar (database versions not stated): gnomAD exomes below 0.00001; gnomAD 0.00001.
gnomAD v4.1: 7 of 1,611,550 alleles (0.00043%); highest among the groups gnomAD compares: Admixed American, 0.0034%; no homozygotes.

Submissions (5):

Labcorp Genetics (formerly Invitae), Labcorp
Classification: Likely pathogenic for Joubert syndrome; Meckel-Gruber syndrome. Last evaluated: 2025-05-17. Review status: criteria provided, single submitter. Criteria: Invitae Variant Classification Sherloc (09022015). Collection method: clinical testing. Allele origin: germline.
Comment: This sequence change affects a donor splice site in intron 20 of the CC2D2A gene. It is expected to disrupt RNA splicing. Variants that disrupt the donor or acceptor splice site typically lead to a loss of protein function (PMID: 16199547), and loss-of-function variants in CC2D2A are known to be pathogenic (PMID: 19777577). This variant is present in population databases (rs386833747, gnomAD 0.003%). Disruption of this splice site has been observed in individual(s) with Meckel-Gruber syndrome (PMID: 19777577). ClinVar contains an entry for this variant (Variation ID: 56299). Algorithms developed to predict the effect of sequence changes on RNA splicing suggest that this variant may disrupt the consensus splice site. In summary, the currently available evidence indicates that the variant is pathogenic, but additional data are needed to prove that conclusively. Therefore, this variant has been classified as Likely Pathogenic.

GeneDx
Classification: Pathogenic. Last evaluated: 2024-09-23. Review status: criteria provided, single submitter. Criteria: GeneDx Variant Classification Process June 2021. Collection method: clinical testing. Allele origin: germline. Affected: yes.
Comment: Reported previously in a fetus with features of Meckel-Gruber syndrome including polydactyly, occipital meningocele, and bile duct proliferation of liver who also harbored a second variant, phase unknown (PMID: 19777577); Canonical splice site variant predicted to result in a null allele in a gene for which loss of function is a known mechanism of disease; Not observed at significant frequency in large population cohorts (gnomAD); This variant is associated with the following publications: (PMID: 30267408, 31589614, 25525159, 31964843, 19777577)

Blueprint Genetics
Classification: Likely pathogenic for CC2D2A-related disorders. Last evaluated: 2023-01-26. Review status: criteria provided, single submitter. Criteria: ACMG Guidelines, 2015. Collection method: clinical testing. Allele origin: germline. Affected: yes. Observed: 2 variant alleles.

Laboratorio de Genetica e Diagnostico Molecular, Hospital Israelita Albert Einstein
Classification: Pathogenic for Meckel syndrome, type 6. Last evaluated: 2022-11-18. Review status: criteria provided, single submitter. Criteria: ACMG Guidelines, 2015. Collection method: clinical testing. Allele origin: germline. Affected: yes. Observed: 2 variant alleles.
Comment: ACMG classification criteria: PVS1 very strong, PS4 supporting, PM2 moderated, PM3 supporting

Juha Muilu Group; Institute for Molecular Medicine Finland (FIMM)
Classification: Likely pathogenic for Meckel syndrome, type 6. Review status: no assertion criteria provided. Collection method: not provided. Allele origin: unknown. Not counted in ClinVar's aggregate classification.
Comment: FinDis database variant: This variant was not found or characterized by our laboratory, data were collected from public sources: see reference
ClinVar note: Converted during submission from probable-pathogenic to Likely pathogenic.

Literature cited by the submitters: PubMed 16199547 (cited by Labcorp Genetics (formerly Invitae), Labcorp); PubMed 19777577 (cited by Labcorp Genetics (formerly Invitae), Labcorp).